The following is an entry in ClinVar:

NM_001374828.1(ARID1B):c.2523C>G (p.Ser841Arg)

Gene: ARID1B (AT-rich interaction domain 1B; plus strand). Cytogenetic location: 6q25.3.
Variant type: single nucleotide variant.
Coding change: c.2523C>G on transcript NM_001374828.1 (MANE Select); coding-DNA position 2523, C replaced by G.
Protein change: p.Ser841Arg; replaces serine 841 with arginine.
Molecular consequence: missense variant.
Genome position (GRCh38, 1-based): chr6:157,110,503, C>G. VCF-style: chr6-157110503-C-G. GRCh37 (hg19) VCF-style: chr6-157431637-C-G.
Other names: c.2313C>G (NM_020732.3); c.24C>G, p.Ser8Arg (NM_001363725.2); c.2562C>G, p.Ser854Arg (NM_001371656.1, NM_001374820.1); c.2523C>G, p.Ser841Arg (NM_017519.3); short protein forms S841R, S854R, S8R.
Identifiers: ClinVar variation 1310035 (VCV001310035.2), dbSNP rs2128518014, ClinGen allele CA366386623.

ClinVar aggregate classification (germline): Uncertain significance (1 of 4 stars; one submission).

gnomAD v4.1: 1 of 1,614,150 alleles (0.000062%); highest among the groups gnomAD compares: Non-Finnish European, 0.000085%; no homozygotes.

Submission:

GeneDx
Classification: Uncertain significance. Last evaluated: 2019-11-08. Review status: criteria provided, single submitter. Criteria: GeneDx Variant Classification Process June 2021. Collection method: clinical testing. Allele origin: germline. Affected: yes.
Comment: Not observed in large population cohorts (Lek et al., 2016); In silico analysis, which includes protein predictors and evolutionary conservation, supports a deleterious effect; Has not been previously published as pathogenic or benign to our knowledge